The following is an entry in ClinVar:

ClinVar aggregate classification (germline): Uncertain significance (1 of 4 stars; one submission).

Conditions:
Polycystic kidney disease, adult type (PKD1). Also called: Polycystic Kidney, Autosomal Dominant; Polycystic Kidney Disease 1, Autosomal Dominant; Polycystic kidney disease 1; Polycystic kidney disease 1, severe; POLYCYSTIC KIDNEY DISEASE, ADULT, TYPE I; POLYCYSTIC KIDNEY DISEASE 1 WITH OR WITHOUT POLYCYSTIC LIVER DISEASE. Identifiers: MedGen C3149841, MONDO:0008263, OMIM 173900.

Submission:

Human Genetics Bochum, Ruhr University Bochum
Classification: Uncertain significance for Polycystic kidney disease, adult type. Last evaluated: 2025-06-17. Review status: criteria provided, single submitter. Criteria: ACMG Guidelines, 2015. Collection method: clinical testing. Allele origin: germline. Affected: yes.
Comment: ACMG criteria used to clasify this variant: PM1_SUP, PM2

NM_001009944.3(PKD1):c.3359T>G (p.Val1120Gly)

Gene: PKD1 (polycystin 1, transient receptor potential channel interacting; minus strand). Cytogenetic location: 16p13.3.
Variant type: single nucleotide variant.
Coding change: c.3359T>G on transcript NM_001009944.3 (MANE Select); coding-DNA position 3359, T replaced by G.
Protein change: p.Val1120Gly; replaces valine 1120 with glycine.
Molecular consequence: missense variant.
Genome position (GRCh38, 1-based): chr16:2,111,808, A>C on the plus strand (T>G on the coding strand, the complement: PKD1 is on the minus strand). VCF-style: chr16-2111808-A-C. GRCh37 (hg19) VCF-style: chr16-2161809-A-C.
Other names: c.3359T>G, p.Val1120Gly (NM_000296.4); short protein forms V1120G.
Identifiers: ClinVar variation 4687929 (VCV004687929.1).